The following is an entry in ClinVar:

ClinVar aggregate classification (germline): Uncertain significance (1 of 4 stars; one submission).

Submission:

GeneDx
Classification: Uncertain significance. Last evaluated: 2023-11-16. Review status: criteria provided, single submitter. Criteria: GeneDx Variant Classification Process June 2021. Collection method: clinical testing. Allele origin: germline. Affected: yes.
Comment: Not observed at significant frequency in large population cohorts (gnomAD); In silico analysis supports that this missense variant has a deleterious effect on protein structure/function; Has not been previously published as pathogenic or benign to our knowledge

NM_020937.4(FANCM):c.4894G>T (p.Asp1632Tyr)

Gene: FANCM (FA complementation group M; plus strand). Cytogenetic location: 14q21.2.
Variant type: single nucleotide variant.
Coding change: c.4894G>T on transcript NM_020937.4 (MANE Select); coding-DNA position 4894, G replaced by T.
Protein change: p.Asp1632Tyr; replaces aspartic acid 1632 with tyrosine.
Molecular consequence: missense variant.
Genome position (GRCh38, 1-based): chr14:45,188,916, G>T. VCF-style: chr14-45188916-G-T. GRCh37 (hg19) VCF-style: chr14-45658119-G-T.
Other names: c.4816G>T, p.Asp1606Tyr (NM_001308133.2); short protein forms D1606Y, D1632Y.
Identifiers: ClinVar variation 3364500 (VCV003364500.1).